The following is an entry in ClinVar:

ClinVar aggregate classification (germline): Uncertain significance (1 of 4 stars; one submission).

Allele frequency attached by ClinVar (database versions not stated): gnomAD exomes below 0.00001.
gnomAD v4.1: 1 of 1,614,244 alleles (0.000062%); highest among the groups gnomAD compares: East Asian, 0.0022%; no homozygotes.

Submission:

Labcorp Genetics (formerly Invitae), Labcorp
Classification: Uncertain significance. Last evaluated: 2022-10-17. Review status: criteria provided, single submitter. Criteria: Invitae Variant Classification Sherloc (09022015). Collection method: clinical testing. Allele origin: germline.
Comment: In summary, the available evidence is currently insufficient to determine the role of this variant in disease. Therefore, it has been classified as a Variant of Uncertain Significance. Algorithms developed to predict the effect of missense changes on protein structure and function are either unavailable or do not agree on the potential impact of this missense change (SIFT: "Not Available"; PolyPhen-2: "Benign"; Align-GVGD: "Not Available"). This variant has not been reported in the literature in individuals affected with FN1-related conditions. This variant is not present in population databases (gnomAD no frequency). This sequence change replaces arginine, which is basic and polar, with lysine, which is basic and polar, at codon 1752 of the FN1 protein (p.Arg1752Lys).

NM_212482.4(FN1):c.5255G>A (p.Arg1752Lys)

Gene: FN1 (fibronectin 1; minus strand). Cytogenetic location: 2q35.
Variant type: single nucleotide variant.
Coding change: c.5255G>A on transcript NM_212482.4 (MANE Select); coding-DNA position 5255, G replaced by A.
Protein change: p.Arg1752Lys; replaces arginine 1752 with lysine.
Molecular consequence: missense variant. On other transcripts: intron variant (10).
Genome position (GRCh38, 1-based): chr2:215,380,990, C>T on the plus strand (G>A on the coding strand, the complement: FN1 is on the minus strand). VCF-style: chr2-215380990-C-T. GRCh37 (hg19) VCF-style: chr2-216245713-C-T.
Other names: c.5255G>A, p.Arg1752Lys (NM_001306129.2); c.4982G>A, p.Arg1661Lys (NM_001365518.2, NM_001365520.2, NM_001365524.2 and 2 more transcripts); c.4891+1222G>A (NM_212474.3, NM_001306132.2, NM_001365523.2 and 2 more transcripts); c.5164+1222G>A (NM_001306130.2, NM_001365522.2, NM_001365519.2 and 2 more transcripts); short protein forms R1661K, R1752K.
Identifiers: ClinVar variation 2006614 (VCV002006614.4), dbSNP rs2469522936, ClinGen allele CA350474676.